The following is an entry in ClinVar:

NM_001349253.2(SCN11A):c.4654G>A (p.Gly1552Ser)

Gene: SCN11A (sodium voltage-gated channel alpha subunit 11; minus strand). Cytogenetic location: 3p22.2.
Variant type: single nucleotide variant.
Coding change: c.4654G>A on transcript NM_001349253.2 (MANE Select); coding-DNA position 4654, G replaced by A.
Protein change: p.Gly1552Ser; replaces glycine 1552 with serine.
Molecular consequence: missense variant.
Genome position (GRCh38, 1-based): chr3:38,847,416, C>T on the plus strand (G>A on the coding strand, the complement: SCN11A is on the minus strand). VCF-style: chr3-38847416-C-T. GRCh37 (hg19) VCF-style: chr3-38888907-C-T.
Other names: c.4654G>A, p.Gly1552Ser (NM_014139.3); short protein forms G1552S.
Identifiers: ClinVar variation 1742198 (VCV001742198.2), dbSNP rs779024424, ClinGen allele CA2321476.
Genomic context (GRCh38, chr3:38,847,416, plus strand): 5'-CTGAGGAAGAGTTACATGATTCTTTTGATCGCAGCATGGGGCTGAGCAGGGAATCCCAAC[C>T]TGCTGATGTGCTTATCTGGAAGAGACAGAGCATGCTGCTGGCAAAAGTCTTGAAGTTGAA-3'
Protein context (NP_001336182.1, residues 1542-1562): LCLFQISTSA[Gly1552Ser]WDSLLSPMLR

ClinVar aggregate classification (germline): Uncertain significance (1 of 4 stars; one submission).

Conditions:
Inborn genetic diseases. Identifiers: MedGen C0950123, MeSH D030342.

Allele frequency attached by ClinVar (database versions not stated): ExAC 0.00001; gnomAD 0.00001.
gnomAD v4.1: 2 of 1,614,066 alleles (0.00012%); highest among the groups gnomAD compares: Non-Finnish European, 0.00017%; no homozygotes.

Submission:

Ambry Genetics
Classification: Uncertain significance for Inborn genetic diseases. Last evaluated: 2019-12-26. Review status: criteria provided, single submitter. Criteria: Ambry Variant Classification Scheme 2023. Collection method: clinical testing. Allele origin: germline.
Comment: The p.G1552S variant (also known as c.4654G>A), located in coding exon 26 of the SCN11A gene, results from a G to A substitution at nucleotide position 4654. The glycine at codon 1552 is replaced by serine, an amino acid with similar properties. This amino acid position is highly conserved in available vertebrate species. In addition, this alteration is predicted to be deleterious by in silico analysis. Since supporting evidence is limited at this time, the clinical significance of this alteration remains unclear.